The following is an entry in ClinVar:

ClinVar aggregate classification (germline): Uncertain significance. Review status: reviewed by expert panel (3 of 4 stars). 7 submissions from 7 submitters: Uncertain significance (1). 6 of the submissions do not count toward it. Last evaluated 2023-12-29.

Conditions:
Familial thoracic aortic aneurysm and aortic dissection (TAAD). Also called: Thoracic aortic aneurysms and dissections. Identifiers: Orphanet 91387, MedGen C4707243, MONDO:0019625.
Marfan syndrome (MFS). Also called: MARFAN SYNDROME, TYPE I; Marfan syndrome type 1; Marfan's syndrome; Marfan syndrome, classic; FBN1-Related Marfan Syndrome. Identifiers: Orphanet 284963, Orphanet 558, MedGen C0024796, MONDO:0007947, OMIM 154700.

Allele frequency attached by ClinVar (database versions not stated): TOPMed 0.00001.

Submissions (7):

ClinGen FBN1 Variant Curation Expert Panel, ClinGen
Classification: Uncertain significance for Marfan syndrome. Last evaluated: 2023-12-29. Review status: reviewed by expert panel. Criteria: Assertion Criteria VCEP FBN1 Version 1. Collection method: curation. Allele origin: germline. Inheritance: Autosomal dominant inheritance.
Comment: NM_000138.5 c.3508C>T is a missense variant in FBN1 predicted to cause a substitution of an arginine by cysteine at amino acid 1170 (p.Arg1170Cys). It has also been identified in at least four individuals with non-specific features of a connective tissue disorder, only one of whom had TAAD (UZA, UZG, Invitae, & CeGaT internal data; ClinVar Variation ID: 549169); one of these individuals also harbored a disease-causing variant in the SKI gene (p.Thr180Arg) that provided an alternate molecular basis for their phenotype (BP5; UZA internal data). It was also reported in the literature as de novo in an individual with neurodevelopmental delay and congenital heart defects, without features of Marfan syndrome (PMID: 26785492). It is absent from gnomAD (PM2_supporting; v2.1.1 & v3.1.2). This variant introduces a novel cysteine residue which may impede the normal formation of critical disulfide bridges (PM1). Computational prediction tools and conservation analysis are unclear about this variant’s predicted impact to the protein (REVEL = 0.722). Due to the conflicting evidence, this variant is classified as uncertain significance for Marfan syndrome based on the ACMG/AMP criteria applied, as specified by the ClinGen FBN1 VCEP: PM1, PM2_supporting, PP4, BP5.

Ambry Genetics
Classification: Uncertain significance for Familial thoracic aortic aneurysm and aortic dissection. Last evaluated: 2025-12-18. Review status: criteria provided, single submitter. Criteria: Ambry Variant Classification Scheme 2023. Collection method: clinical testing. Allele origin: germline. Not counted in ClinVar's aggregate classification.
Comment: The c.3508C>T (p.R1170C) alteration is located in exon 29 (coding exon 28) of the FBN1 gene. This alteration results from a C to T substitution at nucleotide position 3508, causing the arginine (R) at amino acid position 1170 to be replaced by a cysteine (C). This variant was not reported in population-based cohorts in the Genome Aggregation Database (gnomAD). This amino acid position is not well conserved in available vertebrate species. The majority of FBN1 mutations identified to date have involved the substitution or generation of cysteine residues within cbEGF domains (Vollbrandt, 2004). The in silico prediction for this alteration is inconclusive. Based on insufficient or conflicting evidence, the clinical significance of this alteration remains unclear.

GeneDx
Classification: Uncertain significance. Last evaluated: 2025-12-08. Review status: criteria provided, single submitter. Criteria: GeneDx Variant Classification Process June 2021. Collection method: clinical testing. Allele origin: germline. Affected: yes. Not counted in ClinVar's aggregate classification.
Comment: Not observed at significant frequency in large population cohorts (gnomAD); In silico analysis supports that this missense variant has a deleterious effect on protein structure/function; Has not been previously published as pathogenic or benign in relation to FBN1-related disorders to our knowledge; This variant is associated with the following publications: (PMID: 28191890, 31941532, 32368696, 26785492, 28991257, 12938084)

Color Diagnostics, LLC DBA Color Health
Classification: Uncertain significance for Familial thoracic aortic aneurysm and aortic dissection. Last evaluated: 2025-07-07. Review status: criteria provided, single submitter. Criteria: ACMG Guidelines, 2015. Collection method: clinical testing. Allele origin: germline. Not counted in ClinVar's aggregate classification.
Comment: This missense variant replaces arginine with cysteine at codon 1170 in an EGF-like calcium-binding domain of the FBN1 protein. Computational prediction tools indicate that this variant has a deleterious impact on protein structure and function. Cysteine creating variants in cbEGF-like domains have been shown to affect protein stability and are overrepresented among patients with Marfan syndrome (PMID: 15161917, 16571647, 17701892). To our knowledge, functional studies have not been reported for this variant. This variant has not been reported in individuals affected with FBN1-related disorders in the literature. It has been reported to occur de novo in an individual affected with congenital heart disease (PMID: 28991257. This variant has not been identified in the general population by the Genome Aggregation Database (gnomAD). The available evidence is insufficient to determine the role of this variant in disease conclusively. Therefore, this variant is classified as a Variant of Uncertain Significance.

Labcorp Genetics (formerly Invitae), Labcorp
Classification: Uncertain significance for Marfan syndrome; Familial thoracic aortic aneurysm and aortic dissection. Last evaluated: 2025-01-28. Review status: criteria provided, single submitter. Criteria: Invitae Variant Classification Sherloc (09022015). Collection method: clinical testing. Allele origin: germline. Not counted in ClinVar's aggregate classification.
Comment: This sequence change replaces arginine, which is basic and polar, with cysteine, which is neutral and slightly polar, at codon 1170 of the FBN1 protein (p.Arg1170Cys). This variant is not present in population databases (gnomAD no frequency). This missense change has been observed in individual(s) with congenital heart disease and clinical features of thoracic aortic aneurysm and dissection (PMID: 28991257; internal data). ClinVar contains an entry for this variant (Variation ID: 549169). Invitae Evidence Modeling of protein sequence and biophysical properties (such as structural, functional, and spatial information, amino acid conservation, physicochemical variation, residue mobility, and thermodynamic stability) has been performed for this missense variant. However, the output from this modeling did not meet the statistical confidence thresholds required to predict the impact of this variant on FBN1 protein function. In summary, the available evidence is currently insufficient to determine the role of this variant in disease. Therefore, it has been classified as a Variant of Uncertain Significance.

CeGaT Center for Human Genetics Tuebingen
Classification: Uncertain significance. Last evaluated: 2016-09-01. Review status: criteria provided, single submitter. Criteria: CeGaT Center For Human Genetics Tuebingen Variant Classification Criteria Version 2. Collection method: clinical testing. Allele origin: germline. Affected: yes. Observed: 1 variant allele. Not counted in ClinVar's aggregate classification.

Center for Medical Genetics Ghent, University of Ghent
Classification: Likely pathogenic for Marfan syndrome. Last evaluated: 2017-11-07. Review status: no assertion criteria provided. Collection method: clinical testing. Allele origin: germline. Affected: yes. Not counted in ClinVar's aggregate classification.

Literature cited by the submitters: PubMed 15161917 (cited by Ambry Genetics and Color Diagnostics, LLC DBA Color Health); PubMed 16571647 (cited by Color Diagnostics, LLC DBA Color Health); PubMed 17701892 (cited by Color Diagnostics, LLC DBA Color Health); PubMed 28991257 (cited by Labcorp Genetics (formerly Invitae), Labcorp).

NM_000138.5(FBN1):c.3508C>T (p.Arg1170Cys)

Gene: FBN1 (fibrillin 1; minus strand). Cytogenetic location: 15q21.1.
Variant type: single nucleotide variant.
Coding change: c.3508C>T on transcript NM_000138.5 (MANE Select); coding-DNA position 3508, C replaced by T.
Protein change: p.Arg1170Cys; replaces arginine 1170 with cysteine.
Molecular consequence: missense variant.
Genome position (GRCh38, 1-based): chr15:48,487,156, G>A on the plus strand (C>T on the coding strand, the complement: FBN1 is on the minus strand). VCF-style: chr15-48487156-G-A. GRCh37 (hg19) VCF-style: chr15-48779353-G-A.
Other names: NM_000138.5(FBN1):c.3508C>T; p.Arg1170Cys; short protein forms R1170C.
Identifiers: ClinVar variation 549169 (VCV000549169.55), dbSNP rs1366894709, ClinGen allele CA392325203.
Genomic context (GRCh38, chr15:48,487,156, plus strand): 5'-GAGTTGAATGGTAGCCAGGGTTGCAGGCACACTGATACTTCCCTATGAGGTTCACGCAAC[G>A]GCCATTGGGGCACAGGTGTGCACTCAGCTCACATTCATTGATGTCTGTCGGGAAAATAAG-3'
Protein context (NP_000129.3, residues 1160-1180): ELSAHLCPNG[Arg1170Cys]CVNLIGKYQC